The following is an entry in ClinVar:

ClinVar aggregate classification (germline): Uncertain significance (1 of 4 stars; one submission).

Conditions:
Cornelia de Lange syndrome 4 (CDLS4). Also called: CORNELIA DE LANGE SYNDROME 4 WITH OR WITHOUT MIDLINE BRAIN DEFECTS; RAD21-Related Cornelia de Lange Syndrome. Identifiers: Orphanet 199, MedGen C3553517, MONDO:0013864, OMIM 614701.

Submission:

Labcorp Genetics (formerly Invitae), Labcorp
Classification: Uncertain significance for Cornelia de Lange syndrome 4. Last evaluated: 2021-07-31. Review status: criteria provided, single submitter. Criteria: Invitae Variant Classification Sherloc (09022015). Collection method: clinical testing. Allele origin: germline.
Comment: This variant results in a copy number gain of the genomic region encompassing exon(s) 9-14 of the RAD21 gene. The 5' boundary is likely confined to intron 8. The 3' end of this event is unknown as it extends beyond the assayed region for this gene and therefore may encompass additional genes. As the precise location of this event is unknown, it may be in tandem or it may be located elsewhere in the genome. This variant has not been reported in the literature in individuals affected with RAD21-related conditions. Experimental studies and prediction algorithms are not available or were not evaluated, and the functional significance of this variant is currently unknown. In summary, the available evidence is currently insufficient to determine the role of this variant in disease. Therefore, it has been classified as a Variant of Uncertain Significance.

NC_000008.10:g.(?_117859739)_(117866727_?)dup

Gene: RAD21 (RAD21 cohesin complex component; minus strand). Cytogenetic location: 8q24.11.
Variant type: Duplication.
Identifiers: ClinVar variation 1443783 (VCV001443783.5).